The following is an entry in ClinVar:

NM_015662.3(IFT172):c.3925G>A (p.Gly1309Ser)

Genes: IFT172 (intraflagellar transport 172; minus strand), LOC126806173 (BRD4-independent group 4 enhancer GRCh37_chr2:27676057-27677256; plus strand). Cytogenetic location: 2p23.3.
Variant type: single nucleotide variant.
Coding change: c.3925G>A on transcript NM_015662.3 (MANE Select); coding-DNA position 3925, G replaced by A.
Protein change: p.Gly1309Ser; replaces glycine 1309 with serine.
Molecular consequence: missense variant.
Genome position (GRCh38, 1-based): chr2:27,453,410, C>T on the plus strand (G>A on the coding strand, the complement: IFT172 is on the minus strand). VCF-style: chr2-27453410-C-T. GRCh37 (hg19) VCF-style: chr2-27676277-C-T.
Other names: c.3925G>A (NM_015662.2); c.3859G>A, p.Gly1287Ser (NM_001410739.1); short protein forms G1287S, G1309S.
Identifiers: ClinVar variation 2199573 (VCV002199573.3), dbSNP rs761699238, ClinGen allele CA1579821.

ClinVar aggregate classification (germline): Uncertain significance. Review status: criteria provided, multiple submitters, no conflicts (2 of 4 stars). 2 submissions from 2 submitters: Uncertain significance (2). Last evaluated 2025-04-09.

Conditions:
IFT172-related disorder. Also called: IFT172-related disorders; IFT172-related condition.
Retinitis pigmentosa 71 (RP71). Identifiers: Orphanet 791, MedGen C4225342, MONDO:0014618, OMIM 616394.
Short-rib thoracic dysplasia 10 with or without polydactyly (SRTD10). Identifiers: Orphanet 474, MedGen C3810175, MONDO:0014284, OMIM 615630.

Allele frequency attached by ClinVar (database versions not stated): ExAC 0.00001; gnomAD exomes 0.00001; TOPMed 0.00001.
gnomAD v4.1: 13 of 1,614,204 alleles (0.00081%); highest among the groups gnomAD compares: Middle Eastern, 0.016%; no homozygotes.

Submissions (2):

PreventionGenetics, part of Exact Sciences
Classification: Uncertain significance for IFT172-related condition. Last evaluated: 2025-04-09. Review status: criteria provided, single submitter. Criteria: ACMG Guidelines, 2015. Collection method: clinical testing. Allele origin: germline.
Comment: The IFT172 c.3925G>A variant is predicted to result in the amino acid substitution p.Gly1309Ser. This variant has been reported in a newborn with an ectopic kidney (Table S8, Fu et al. 2022. PubMed ID: 36307859) and in an individual with retinitis pigmentosa (Table S2, Schlottmann et al. 2023. PubMed ID: 37217489). This variant is reported in 0.0065% of alleles in individuals of South Asian descent in gnomAD. At this time, the clinical significance of this variant is uncertain due to the absence of conclusive functional and genetic evidence.

Labcorp Genetics (formerly Invitae), Labcorp
Classification: Uncertain significance for Retinitis pigmentosa 71; Short-rib thoracic dysplasia 10 with or without polydactyly. Last evaluated: 2023-08-24. Review status: criteria provided, single submitter. Criteria: Invitae Variant Classification Sherloc (09022015). Collection method: clinical testing. Allele origin: germline.
Comment: In summary, the available evidence is currently insufficient to determine the role of this variant in disease. Therefore, it has been classified as a Variant of Uncertain Significance. Advanced modeling of protein sequence and biophysical properties (such as structural, functional, and spatial information, amino acid conservation, physicochemical variation, residue mobility, and thermodynamic stability) performed at Invitae indicates that this missense variant is not expected to disrupt IFT172 protein function. ClinVar contains an entry for this variant (Variation ID: 2199573). This variant has not been reported in the literature in individuals affected with IFT172-related conditions. This variant is present in population databases (rs761699238, gnomAD 0.006%). This sequence change replaces glycine, which is neutral and non-polar, with serine, which is neutral and polar, at codon 1309 of the IFT172 protein (p.Gly1309Ser).